The following is an entry in ClinVar:

NM_001040108.2(MLH3):c.619G>T (p.Val207Leu)

Gene: MLH3 (mutL homolog 3; minus strand). Cytogenetic location: 14q24.3.
Variant type: single nucleotide variant.
Coding change: c.619G>T on transcript NM_001040108.2 (MANE Select); coding-DNA position 619, G replaced by T.
Protein change: p.Val207Leu; replaces valine 207 with leucine.
Molecular consequence: missense variant.
Genome position (GRCh38, 1-based): chr14:75,049,037, C>A on the plus strand (G>T on the coding strand, the complement: MLH3 is on the minus strand). VCF-style: chr14-75049037-C-A. GRCh37 (hg19) VCF-style: chr14-75515740-C-A.
Other names: c.619G>T, p.Val207Leu (NM_014381.3); short protein forms V207L.
Identifiers: ClinVar variation 2625642 (VCV002625642.2), dbSNP rs1460891308, ClinGen allele CA390449763.

ClinVar aggregate classification (germline): Uncertain significance (1 of 4 stars; one submission).

Submission:

Ambry Genetics
Classification: Uncertain significance. Last evaluated: 2023-06-30. Review status: criteria provided, single submitter. Criteria: Ambry Variant Classification Scheme 2023. Collection method: clinical testing. Allele origin: germline.
Comment: The p.V207L variant (also known as c.619G>T), located in coding exon 1 of the MLH3 gene, results from a G to T substitution at nucleotide position 619. The valine at codon 207 is replaced by leucine, an amino acid with highly similar properties. This amino acid position is conserved. In addition, this alteration is predicted to be tolerated by in silico analysis. Since supporting evidence is limited at this time, the clinical significance of this alteration remains unclear.